The following is an entry in ClinVar:

NM_000545.8(HNF1A):c.775G>A (p.Val259Ile)

Gene: HNF1A (HNF1 homeobox A; plus strand). Cytogenetic location: 12q24.31.
Variant type: single nucleotide variant.
Coding change: c.775G>A on transcript NM_000545.8 (MANE Select); coding-DNA position 775, G replaced by A.
Protein change: p.Val259Ile; replaces valine 259 with isoleucine.
Molecular consequence: missense variant.
Genome position (GRCh38, 1-based): chr12:120,994,225, G>A. VCF-style: chr12-120994225-G-A. GRCh37 (hg19) VCF-style: chr12-121432028-G-A.
Other names: c.775G>A, p.Val259Ile (NM_001306179.2); c.775G>A (NM_000545.5); short protein forms V259I.
Identifiers: ClinVar variation 998283 (VCV000998283.20), dbSNP rs778074427, ClinGen allele CA6831832.
Genomic context (GRCh38, chr12:120,994,225, plus strand): 5'-GCGGAATGCATCCAGAGAGGGGTGTCCCCATCACAGGCACAGGGGCTGGGCTCCAACCTC[G>A]TCACGGAGGTGCGTGTCTACAACTGGTTTGCCAACCGGCGCAAAGAAGAAGCCTTCCGGC-3'
Protein context (NP_000536.6, residues 249-269): SQAQGLGSNL[Val259Ile]TEVRVYNWFA

ClinVar aggregate classification (germline): Conflicting classifications of pathogenicity. Review status: criteria provided, conflicting classifications (1 of 4 stars). 4 submissions from 4 submitters: Likely risk allele (1); Uncertain significance (3). Last evaluated 2025-06-11.

Conditions:
Maturity-onset diabetes of the young (MODY). Also called: Maturity onset diabetes mellitus in young. Identifiers: Orphanet 552, MedGen C0342276, MONDO:0018911, HP:0004904.
Type 1 diabetes mellitus 20 (T1D20). Also called: Diabetes mellitus, insulin-dependent, 20. Identifiers: MedGen C2675866, MONDO:0012919, OMIM 612520.

Allele frequency attached by ClinVar (database versions not stated): ExAC 0.00001; gnomAD 0.00001; gnomAD exomes 0.00001; TOPMed 0.00001.
gnomAD v4.1: 21 of 1,613,458 alleles (0.0013%); highest among the groups gnomAD compares: South Asian, 0.0055%; no homozygotes.

Submissions (4):

Ambry Genetics
Classification: Uncertain significance for Maturity-onset diabetes of the young. Last evaluated: 2025-06-11. Review status: criteria provided, single submitter. Criteria: Ambry Variant Classification Scheme 2023. Collection method: clinical testing. Allele origin: germline.
Comment: The c.775G>A (p.V259I) alteration is located in exon 4 (coding exon 4) of the HNF1A gene. This alteration results from a G to A substitution at nucleotide position 775, causing the valine (V) at amino acid position 259 to be replaced by an isoleucine (I). This variant was reported in individual(s) with features consistent with HNF1A-related maturity-onset diabetes of the young (Donath, 2019; Saint-Martin, 2022; Rapini, 2023). This amino acid position is highly conserved in available vertebrate species. The in silico prediction for the p.V259I alteration is inconclusive. Based on insufficient or conflicting evidence, the clinical significance of this alteration remains unclear.

CeGaT Center for Human Genetics Tuebingen
Classification: Uncertain significance. Last evaluated: 2024-06-01. Review status: criteria provided, single submitter. Criteria: CeGaT Center For Human Genetics Tuebingen Variant Classification Criteria Version 2. Collection method: clinical testing. Allele origin: germline. Affected: yes. Observed: 1 variant allele.
Comment: HNF1A: PM1, PM2:Supporting, PM5:Supporting

Baylor Genetics
Classification: Uncertain significance for Type 1 diabetes mellitus 20. Last evaluated: 2020-01-23. Review status: criteria provided, single submitter. Criteria: ACMG Guidelines, 2015. Collection method: clinical testing. Allele origin: unknown. Affected: yes. Study: CSER-TexasKidsCanSeq.
Comment: This variant was determined to be of uncertain significance according to ACMG Guidelines, 2015 [PMID:25741868].

Clinical Genomics, Uppaluri K&H Personalized Medicine Clinic
Classification: Likely risk allele for Maturity-onset diabetes of the young. Review status: criteria provided, single submitter. Criteria: K & H Uppaluri Personalized Medicine Clinic Variant Classification & Assertion Criteria_Updated V.1. Collection method: research. Allele origin: unknown. Inheritance: Autosomal dominant inheritance.
Comment: Mutations in HNF1A gene can predispose to MODY3. It is associated with both micro and macrovascular complications of diabetes, especially cardiovascular complications. Associated with glucosuria. May respond well to sulfonylureas. However, more evidence is required to confer the association of this particular variant rs778074427 with MODY3.

Literature cited by the submitters: PubMed 31291970 (cited by Ambry Genetics); PubMed 34556497 (cited by Ambry Genetics); PubMed 36178555 (cited by Ambry Genetics); PubMed 31517624 (cited by Clinical Genomics, Uppaluri K&H Personalized Medicine Clinic); PubMed 35328643 (cited by Clinical Genomics, Uppaluri K&H Personalized Medicine Clinic); PubMed 32395877 (cited by Clinical Genomics, Uppaluri K&H Personalized Medicine Clinic); PubMed 35673428 (cited by Clinical Genomics, Uppaluri K&H Personalized Medicine Clinic).